The following is an entry in ClinVar:

ClinVar aggregate classification (germline): Uncertain significance (1 of 4 stars; one submission).

Conditions:
Ullrich congenital muscular dystrophy 2 (UCMD2). Identifiers: Orphanet 75840, MedGen C4225314, MONDO:0014654, OMIM 616470.
Bethlem myopathy 2 (BTHLM2). Identifiers: Orphanet 536516, Orphanet 610, MedGen C4225313, MONDO:0034022, OMIM 616471.

Submission:

Labcorp Genetics (formerly Invitae), Labcorp
Classification: Uncertain significance for Bethlem myopathy 2; Ullrich congenital muscular dystrophy 2. Last evaluated: 2022-02-28. Review status: criteria provided, single submitter. Criteria: Invitae Variant Classification Sherloc (09022015). Collection method: clinical testing. Allele origin: germline.
Comment: Algorithms developed to predict the effect of missense changes on protein structure and function (SIFT, PolyPhen-2, Align-GVGD) all suggest that this variant is likely to be disruptive. This variant has not been reported in the literature in individuals affected with COL12A1-related conditions. This variant is not present in population databases (gnomAD no frequency). This sequence change replaces aspartic acid, which is acidic and polar, with valine, which is neutral and non-polar, at codon 2485 of the COL12A1 protein (p.Asp2485Val). In summary, the available evidence is currently insufficient to determine the role of this variant in disease. Therefore, it has been classified as a Variant of Uncertain Significance.

NM_004370.6(COL12A1):c.7454A>T (p.Asp2485Val)

Gene: COL12A1 (collagen type XII alpha 1 chain; minus strand). Cytogenetic location: 6q13.
Variant type: single nucleotide variant.
Coding change: c.7454A>T on transcript NM_004370.6 (MANE Select); coding-DNA position 7454, A replaced by T.
Protein change: p.Asp2485Val; replaces aspartic acid 2485 with valine.
Molecular consequence: missense variant.
Genome position (GRCh38, 1-based): chr6:75,117,447, T>A on the plus strand (A>T on the coding strand, the complement: COL12A1 is on the minus strand). VCF-style: chr6-75117447-T-A. GRCh37 (hg19) VCF-style: chr6-75827163-T-A.
Other names: c.3962A>T, p.Asp1321Val (NM_080645.3); short protein forms D2485V, D1321V.
Identifiers: ClinVar variation 2104184 (VCV002104184.4), dbSNP rs2533190492, ClinGen allele CA364746470.